The following is an entry in ClinVar:

ClinVar aggregate classification (germline): Pathogenic. Review status: reviewed by expert panel (3 of 4 stars). 7 submissions from 7 submitters: Pathogenic (1). 6 of the submissions do not count toward it. Last evaluated 2020-07-31.

Conditions:
CFTR-related disorder (CFTR-RD). Also called: CFTR-related disorders; CFTR-related condition. Identifiers: MedGen C5924204, MONDO:7770004.
Bronchiectasis with or without elevated sweat chloride 1 (BESC1). Also called: Cystic Fibrosis-Like Syndrome. Identifiers: Orphanet 60033, MedGen C2749757, MONDO:0008887, OMIM 211400.
Hereditary pancreatitis (PCTT). Also called: PRSS1-Related Hereditary Pancreatitis; Hereditary chronic pancreatitis. Identifiers: Orphanet 676, MedGen C0238339, MONDO:0008185, OMIM 167800.
Cystic fibrosis (CF). Also called: MUCOVISCIDOSIS. Identifiers: Orphanet 586, MedGen C0010674, MONDO:0009061, OMIM 219700. Disease mechanism: loss of function.
Congenital bilateral aplasia of vas deferens from CFTR mutation (CBAVD). Identifiers: Orphanet 48, MedGen C0403814, MONDO:0010178, OMIM 277180. Disease mechanism: loss of function.

Allele frequency attached by ClinVar (database versions not stated): gnomAD exomes below 0.00001.
gnomAD v4.1: 1 of 1,516,294 alleles (0.000066%); highest among the groups gnomAD compares: Non-Finnish European, 0.000092%; no homozygotes.

Submissions (7):

CFTR2
Classification: Pathogenic for Cystic fibrosis. Last evaluated: 2020-07-31. Review status: reviewed by expert panel. Criteria: Submitter's publication and website. Collection method: research. Allele origin: germline. Affected: yes.

Labcorp Genetics (formerly Invitae), Labcorp
Classification: Pathogenic for Cystic fibrosis. Last evaluated: 2025-03-12. Review status: criteria provided, single submitter. Criteria: Invitae Variant Classification Sherloc (09022015). Collection method: clinical testing. Allele origin: germline. Not counted in ClinVar's aggregate classification.
Comment: This sequence change replaces aspartic acid, which is acidic and polar, with glycine, which is neutral and non-polar, at codon 192 of the CFTR protein (p.Asp192Gly). This variant is not present in population databases (gnomAD no frequency). This missense change has been observed in individual(s) with cystic fibrosis (PMID: 7516305, 17662673, 28546993). In at least one individual the data is consistent with being in trans (on the opposite chromosome) from a pathogenic variant. ClinVar contains an entry for this variant (Variation ID: 54005). Invitae Evidence Modeling of protein sequence and biophysical properties (such as structural, functional, and spatial information, amino acid conservation, physicochemical variation, residue mobility, and thermodynamic stability) indicates that this missense variant is expected to disrupt CFTR protein function with a positive predictive value of 80%. Experimental studies have shown that this missense change affects CFTR function (PMID: 9305991). This variant disrupts the p.Asp192 amino acid residue in CFTR. Other variant(s) that disrupt this residue have been observed in individuals with CFTR-related conditions (PMID: 15463882), which suggests that this may be a clinically significant amino acid residue. For these reasons, this variant has been classified as Pathogenic.

Natera, Inc.
Classification: Likely pathogenic for CFTR-related disorders. Last evaluated: 2025-02-16. Review status: criteria provided, single submitter. Criteria: Natera Variant Classification Schema (03/2026). Collection method: clinical testing. Allele origin: germline. Not counted in ClinVar's aggregate classification.
Comment: The c.575A>G variant in CFTR is a missense variant predicted to cause substitution of aspartic acid to glycine at amino acid 192. This variant is rare in the general population with a frequency below the threshold expected for the associated phenotype(s). This variant has been observed in one or more individuals affected with the associated recessive disease, as either homozygous or compound heterozygous with a second variant (PMID: 33260873, 17662673, 7516305, 28546993, 25910067, 23977124). Functional studies show that this variant may disrupt protein function (PMID: 9305991). Computational prediction algorithms indicate this variant is likely to affect gene or protein function. Given the available evidence, this variant is classified as Likely Pathogenic.

Fulgent Genetics
Classification: Pathogenic for Hereditary pancreatitis; Bronchiectasis with or without elevated sweat chloride 1; Cystic fibrosis; Congenital bilateral aplasia of vas deferens from CFTR mutation. Last evaluated: 2024-05-14. Review status: criteria provided, single submitter. Criteria: ACMG Guidelines, 2015. Collection method: clinical testing. Allele origin: germline. Not counted in ClinVar's aggregate classification.

Ambry Genetics
Classification: Likely pathogenic for Cystic fibrosis. Last evaluated: 2023-12-06. Review status: criteria provided, single submitter. Criteria: Ambry Variant Classification Scheme 2023. Collection method: clinical testing. Allele origin: germline. Not counted in ClinVar's aggregate classification.
Comment: The p.D192G variant (also known as c.575A>G), located in coding exon 5 of the CFTR gene, results from an A to G substitution at nucleotide position 575. The aspartic acid at codon 192 is replaced by glycine, an amino acid with similar properties. This variant has been identified in the homozygous state in an individual diagnosed with cystic fibrosis (Alibakhshi R et al. J Cyst Fibros, 2008 Mar;7:102-9). This alteration has also been identified in the compound heterozygous state in multiple individuals diagnosed with cystic fibrosis (Behar DM et al. Mol Genet Genomic Med, 2017 May;5:223-236; Esposito MV et al. J Clin Med, 2020 Nov;9:). This variant has <10% of wild type function in The Clinical and Functional TRanslation of CFTR (CFTR2) database (available at CFTR2. Accessed 12/05/2023). In another functional study, this alteration impaired CFTR function (Seibert FS et al. Biochemistry, 1997 Sep;36:11966-74). This amino acid position is highly conserved in available vertebrate species. In addition, this alteration is predicted to be deleterious by in silico analysis. This variant is considered to be rare based on population cohorts in the Genome Aggregation Database (gnomAD). Based on the majority of available evidence to date, this variant is likely to be pathogenic.

Counsyl
Classification: Likely pathogenic for Cystic fibrosis. Last evaluated: 2017-01-05. Review status: no assertion criteria provided. Collection method: clinical testing. Allele origin: unknown. Not counted in ClinVar's aggregate classification.

ClinVar Staff, National Center for Biotechnology Information (NCBI)
No classification provided. Condition: CFTR-related disorders. Review status: no classification provided. Collection method: literature only. Allele origin: germline. Affected: yes. Not counted in ClinVar's aggregate classification.

Literature cited by the submitters: PubMed 7516305 (cited by 4 submitters); PubMed 17662673 (cited by 4 submitters); PubMed 28546993 (cited by 3 submitters); PubMed 9305991 (cited by 4 submitters); PubMed 15463882 (cited by Labcorp Genetics (formerly Invitae), Labcorp); PubMed 33260873 (cited by Natera, Inc. and Ambry Genetics); PubMed 25910067 (cited by Natera, Inc. and Counsyl); PubMed 23977124 (cited by Natera, Inc.).

NM_000492.4(CFTR):c.575A>G (p.Asp192Gly)

Gene: CFTR (CF transmembrane conductance regulator; plus strand). Cytogenetic location: 7q31.2.
Variant type: single nucleotide variant.
Coding change: c.575A>G on transcript NM_000492.4 (MANE Select); coding-DNA position 575, A replaced by G.
Protein change: p.Asp192Gly; replaces aspartic acid 192 with glycine.
Molecular consequence: missense variant.
Genome position (GRCh38, 1-based): chr7:117,534,361, A>G. VCF-style: chr7-117534361-A-G. GRCh37 (hg19) VCF-style: chr7-117174415-A-G.
Other names: p.Asp192Gly; short protein forms D192G.
Identifiers: ClinVar variation 54005 (VCV000054005.7), dbSNP rs397508758, ClinGen allele CA327576.